The following is an entry in ClinVar:

ClinVar aggregate classification (germline): Conflicting classifications of pathogenicity. Review status: criteria provided, conflicting classifications (1 of 4 stars). 8 submissions from 8 submitters: Pathogenic (3); Likely pathogenic (3); Uncertain significance (1). 1 of the submissions does not count toward it. Last evaluated 2026-03-27.

Conditions:
IMPG2-related disorders.
IMPG2-related disorder. Also called: IMPG2-related condition.
Retinal dystrophy. Also called: Inherited retinal dystrophy. Identifiers: Orphanet 71862, MedGen C0854723, MeSH D058499, MONDO:0019118, HP:0000556.
Retinitis pigmentosa 56 (RP56). Identifiers: Orphanet 791, MedGen C3150819, MONDO:0013314, OMIM 613581.
Retinal disorder. Also called: Retinal disorders; Retinopathies; Retinal Diseases; Retinopathy. Identifiers: MedGen C0035309, MONDO:0005283, HP:0000488.

Submissions (8):

Genetics Laboratory, Great Ormond Street Hospital NHS Foundation Trust, North Thames Genomic Laboratory Hub
Classification: Likely pathogenic for Retinal disorders. Last evaluated: 2026-03-27. Review status: criteria provided, single submitter. Criteria: ACGS Best Practice Guidelines for Variant Classification in Rare Disease 2024 v1.2. Collection method: clinical testing. Allele origin: germline. Affected: yes.
Comment: PM2_moderate, PP3_supporting, PM3_strong

Labcorp Genetics (formerly Invitae), Labcorp
Classification: Pathogenic. Last evaluated: 2026-01-12. Review status: criteria provided, single submitter. Criteria: Invitae Variant Classification Sherloc (09022015). Collection method: clinical testing. Allele origin: germline.
Comment: This sequence change falls in intron 16 of the IMPG2 gene. It does not directly change the encoded amino acid sequence of the IMPG2 protein. RNA analysis indicates that this variant induces altered splicing and likely disrupts the C-terminus of the protein. This variant is present in population databases (rs534452999, gnomAD 0.02%). This variant has been observed in individual(s) with autosomal recessive retinitis pigmentosa (PMID: 22334370, 24876279; internal data). In at least one individual the data is consistent with being in trans (on the opposite chromosome) from a pathogenic variant. It has also been observed to segregate with disease in related individuals. This variant is also known as c.3423-8_c.3423-5del. ClinVar contains an entry for this variant (Variation ID: 194768). Studies have shown that this variant results in activation of a cryptic splice site and introduces a new termination codon (PMID: 24876279). However the mRNA is not expected to undergo nonsense-mediated decay. For these reasons, this variant has been classified as Pathogenic.

Blueprint Genetics
Classification: Pathogenic for IMPG2-related disorders. Last evaluated: 2024-09-11. Review status: criteria provided, single submitter. Criteria: ACMG Guidelines, 2015. Collection method: clinical testing. Allele origin: germline. Affected: yes. Observed: 5 variant alleles.

Broad Center for Mendelian Genomics, Broad Institute of MIT and Harvard
Classification: Likely pathogenic for Retinitis pigmentosa 56. Last evaluated: 2023-05-02. Review status: criteria provided, single submitter. Criteria: ACMG Guidelines, 2015. Collection method: curation. Allele origin: germline. Inheritance: Autosomal recessive inheritance.
Comment: The heterozygous c.3423-7_3423-4del variant in IMPG2 was identified by our study, in the compound heterozygous state with a likely pathogenic variant (hg19, chr3:g.100986245_100986485del), in two siblings with retinal degeneration. Familial exome analysis revealed that this variant was in trans with a likely pathogenic variant (hg19, chr3:g.100986245_100986485del). The heterozygous c.3423-7_3423-4del has been previously reported in two siblings with retinitis pigmentosa 56 and segregated with disease in this family (PMID: 22334370, 24876279), but has been identified in 0.03% (19/68042) of European (non-Finnish) chromosomes by the Genome Aggregation Database (gnomAD; dbSNP ID: rs534452999). Although this variant has been seen in the general population in a heterozygous state, its frequency is not high enough to rule out a pathogenic role. This variant has also been reported in ClinVar (Variation ID: 194768) with conflicting interpretations of pathogenicity. The two affected siblings previously reported (PMID: 22334370, 24876279) were compound heterozygotes who carried a reported pathogenic variant in trans (ClinVar Variation ID: 845633), which increases the likelihood that the c.3423-7_3423-4del variant is pathogenic. RT-PCR analysis performed on affected tissue showed evidence of altered splicing, with use of alternate upstream splice acceptor site in intron 16, resulting in the inclusion of 80 additional nucleotides to the IMPG2 mRNA, frameshift, and premature truncation (PMID: 24876279). This variant is located in the 3‚Äô splice region. Computational tools do suggest an impact to splicing. However, this information is not predictive enough to determine pathogenicity. In summary, although additional studies are required to fully establish its clinical significance, this variant is likely pathogenic for autosomal recessive retinitis pigmentosa 56. ACMG/AMP Criteria applied: PS3_Moderate, PM3_Strong, PP1 (Richards 2015).

MGZ Medical Genetics Center
Classification: Likely pathogenic for Retinitis pigmentosa 56. Last evaluated: 2022-06-02. Review status: criteria provided, single submitter. Criteria: ACMG Guidelines, 2015. Collection method: clinical testing. Allele origin: germline. Affected: yes. Observed: 1 variant allele.
Comment: ACMG criteria applied: PS3_MOD, PM3, PM2_SUP, PP1

Institute of Human Genetics, Univ. Regensburg, Univ. Regensburg
Classification: Pathogenic for Retinal dystrophy. Last evaluated: 2020-01-01. Review status: criteria provided, single submitter. Criteria: ACMG Guidelines, 2015. Collection method: clinical testing. Allele origin: germline. Affected: yes.

Eurofins Ntd Llc (ga)
Classification: Uncertain significance. Last evaluated: 2015-04-28. Review status: criteria provided, single submitter. Criteria: EGL Classification Definitions 2015. Collection method: clinical testing. Allele origin: germline. Observed: 1 variant allele.

PreventionGenetics, part of Exact Sciences
Classification: Likely pathogenic for IMPG2-related condition. Last evaluated: 2024-09-10. Review status: no assertion criteria provided. Collection method: clinical testing. Allele origin: germline. Not counted in ClinVar's aggregate classification.
Comment: The IMPG2 c.3423-7_3423-4delCTTT variant is predicted to result in an intronic deletion. This variant is predicted to alter splicing based on available splicing prediction programs (SpliceAI, Jaganathan et al. 2019. PubMed ID: 30661751). This variant has been reported in patients with autosomal recessive RP in individuals with a second, truncating variant in the gene (Neveling et al. 2012. PubMed ID: 22334370; van Huet et al. 2014. PubMed ID: 24876279). RNA analysis of patient's fibroblast indicates that this variant affects splicing, subsequently leading to a frameshift and premature termination (van Huet et al. 2014. PubMed ID: 24876279). Taken together, this variant is likely pathogenic.

Literature cited by the submitters: PubMed 22334370 (cited by Labcorp Genetics (formerly Invitae), Labcorp and Institute of Human Genetics, Univ. Regensburg, Univ. Regensburg); PubMed 24876279 (cited by 3 submitters); PubMed 32531858 (cited by Institute of Human Genetics, Univ. Regensburg, Univ. Regensburg); PubMed 36118280 (cited by Institute of Human Genetics, Univ. Regensburg, Univ. Regensburg).

NM_016247.4(IMPG2):c.3423-7_3423-4del

Gene: IMPG2 (interphotoreceptor matrix proteoglycan 2; minus strand). Cytogenetic location: 3q12.3.
Variant type: Microsatellite.
Coding change: c.3423-7_3423-4del on transcript NM_016247.4 (MANE Select); 7 bases into the intron before coding-DNA position 3423 through 4 bases into the intron before coding-DNA position 3423, 4 bases deleted (CTTT; older notation c.3423-7_3423-4delCTTT).
Molecular consequence: intron variant.
Genome position (GRCh38, 1-based): chr3:101,229,594-101,229,597, AAAG deleted on the plus strand (CTTT on the coding strand, the reverse complement: IMPG2 is on the minus strand); deleting any 4 consecutive bases within chr3:101,229,594-101,229,602 gives the same sequence; the c. name uses the placement nearest the transcript's 3' end. VCF-style (leftmost placement, unchanged base first): chr3-101229593-AAAAG-A. GRCh37 (hg19) VCF-style: chr3-100948437-AAAAG-A.
Other names: c.3423-7_3423-4delCTTT (NM_016247.3).
Identifiers: ClinVar variation 194768 (VCV000194768.20), dbSNP rs534452999, ClinGen allele CA240917.
Genomic context (GRCh38, chr3:101,229,593, plus strand): 5'-GTTGTACTTCACAGCATTCTCAATAGATGAGAGGCTGTCAGGCTGCCTGCTGGAGCCACT[AAAAG>A]AAAGATATGATGGATTCAGGCTCTTGTTTGGATGCTCAACTATGTGGAAGACTATTTACC-3'